The following is an entry in ClinVar:

NM_024580.6(EFL1):c.1463A>G (p.Glu488Gly)

Gene: EFL1 (elongation factor like GTPase 1; minus strand). Cytogenetic location: 15q25.2.
Variant type: single nucleotide variant.
Coding change: c.1463A>G on transcript NM_024580.6 (MANE Select); coding-DNA position 1463, A replaced by G.
Protein change: p.Glu488Gly; replaces glutamic acid 488 with glycine.
Molecular consequence: missense variant. On other transcripts: non-coding transcript variant (1).
Genome position (GRCh38, 1-based): chr15:82,219,800, T>C on the plus strand (A>G on the coding strand, the complement: EFL1 is on the minus strand). VCF-style: chr15-82219800-T-C. GRCh37 (hg19) VCF-style: chr15-82512141-T-C.
Other names: c.1310A>G, p.Glu437Gly (NM_001040610.3); c.674A>G, p.Glu225Gly (NM_001322844.2); c.1463A>G, p.Glu488Gly (NM_001322845.2); short protein forms E488G, E225G, E437G.
Identifiers: ClinVar variation 1506950 (VCV001506950.8), dbSNP rs746434129, ClinGen allele CA7697970.

ClinVar aggregate classification (germline): Uncertain significance (1 of 4 stars; one submission).

Allele frequency attached by ClinVar (database versions not stated): TOPMed below 0.00001; gnomAD exomes 0.00001; ExAC 0.00002; gnomAD 0.00002.
gnomAD v4.1: 16 of 1,606,384 alleles (0.001%); highest among the groups gnomAD compares: Admixed American, 0.0017%; no homozygotes.

Submission:

Labcorp Genetics (formerly Invitae), Labcorp
Classification: Uncertain significance. Last evaluated: 2022-02-10. Review status: criteria provided, single submitter. Criteria: Invitae Variant Classification Sherloc (09022015). Collection method: clinical testing. Allele origin: germline.
Comment: This sequence change replaces glutamic acid, which is acidic and polar, with glycine, which is neutral and non-polar, at codon 488 of the EFL1 protein (p.Glu488Gly). In summary, the available evidence is currently insufficient to determine the role of this variant in disease. Therefore, it has been classified as a Variant of Uncertain Significance. Algorithms developed to predict the effect of sequence changes on RNA splicing suggest that this variant may create or strengthen a splice site. Algorithms developed to predict the effect of missense changes on protein structure and function (SIFT, PolyPhen-2, Align-GVGD) all suggest that this variant is likely to be tolerated. This variant has not been reported in the literature in individuals affected with EFL1-related conditions. This variant is present in population databases (rs746434129, gnomAD 0.002%).